The following is an entry in ClinVar:

ClinVar aggregate classification (germline): Uncertain significance (1 of 4 stars; one submission).

Conditions:
Immunodeficiency 51 (IMD51). Also called: CANDIDIASIS, FAMILIAL, 5. Identifiers: Orphanet 1334, MedGen C4310803, MONDO:0013500, OMIM 613953.

Allele frequency attached by ClinVar (database versions not stated): gnomAD exomes below 0.00001.
gnomAD v4.1: 2 of 1,613,366 alleles (0.00012%); highest among the groups gnomAD compares: Non-Finnish European, 0.00017%; no homozygotes.

Submission:

Labcorp Genetics (formerly Invitae), Labcorp
Classification: Uncertain significance for Immunodeficiency 51. Last evaluated: 2020-12-17. Review status: criteria provided, single submitter. Criteria: Invitae Variant Classification Sherloc (09022015). Collection method: clinical testing. Allele origin: germline.
Comment: This sequence change replaces alanine with threonine at codon 735 of the IL17RA protein (p.Ala735Thr). The alanine residue is moderately conserved and there is a small physicochemical difference between alanine and threonine. In summary, the available evidence is currently insufficient to determine the role of this variant in disease. Therefore, it has been classified as a Variant of Uncertain Significance. Algorithms developed to predict the effect of missense changes on protein structure and function output the following: SIFT: "Tolerated"; PolyPhen-2: "Benign"; Align-GVGD: "Class C0". The threonine amino acid residue is found in multiple mammalian species, suggesting that this missense change does not adversely affect protein function. These predictions have not been confirmed by published functional studies and their clinical significance is uncertain. This variant has not been reported in the literature in individuals with IL17RA-related conditions. This variant is not present in population databases (ExAC no frequency).

NM_014339.7(IL17RA):c.2203G>A (p.Ala735Thr)

Gene: IL17RA (interleukin 17 receptor A; plus strand). Cytogenetic location: 22q11.1.
Variant type: single nucleotide variant.
Coding change: c.2203G>A on transcript NM_014339.7 (MANE Select); coding-DNA position 2203, G replaced by A.
Protein change: p.Ala735Thr; replaces alanine 735 with threonine.
Molecular consequence: missense variant.
Genome position (GRCh38, 1-based): chr22:17,109,422, G>A. VCF-style: chr22-17109422-G-A. GRCh37 (hg19) VCF-style: chr22-17590312-G-A.
Other names: c.2101G>A, p.Ala701Thr (NM_001289905.2); short protein forms A701T, A735T.
Identifiers: ClinVar variation 1508901 (VCV001508901.8), dbSNP rs2123813088, ClinGen allele CA410221291.